The following is an entry in ClinVar:

NM_053025.4(MYLK):c.4978C>T (p.Pro1660Ser)

Genes: MYLK (myosin light chain kinase; minus strand), MYLK-AS1 (MYLK antisense RNA 1; plus strand), LOC126806791 (MED14-independent group 3 enhancer GRCh37_chr3:123347871-123349070; plus strand). Cytogenetic location: 3q21.1.
Variant type: single nucleotide variant.
Coding change: c.4978C>T on transcript NM_053025.4 (MANE Select); coding-DNA position 4978, C replaced by T.
Protein change: p.Pro1660Ser; replaces proline 1660 with serine.
Molecular consequence: missense variant. On other transcripts: non-coding transcript variant (2), intron variant (2).
Genome position (GRCh38, 1-based): chr3:123,629,610, G>A on the plus strand (C>T on the coding strand, the complement: MYLK is on the minus strand). VCF-style: chr3-123629610-G-A. GRCh37 (hg19) VCF-style: chr3-123348457-G-A.
Other names: c.4450C>T, p.Pro1484Ser (NM_001321309.2); c.4771C>T, p.Pro1591Ser (NM_053026.4); c.4755-2669C>T (NM_053028.4); c.4962-2669C>T (NM_053027.4); short protein forms P1660S, P1484S, P1591S.
Identifiers: ClinVar variation 2122404 (VCV002122404.4), dbSNP rs2473059826, ClinGen allele CA354233405.
Genomic context (GRCh38, chr3:123,629,610, plus strand): 5'-AGTCCCAGGTGGCTGAGGTAACGTTGGCCAAGGTTTCGTTATCGTTGTCTCCCATGAAGG[G>A]GGAAAGGCCACTGACTCTGGAGAGACAAGAGCAGGACAGCAGGTGTGGCTAGGAGAGGGC-3'
Protein context (NP_444253.3, residues 1650-1670): ICYILVSGLS[Pro1660Ser]FMGDNDNETL

ClinVar aggregate classification (germline): Uncertain significance (1 of 4 stars; one submission).

Conditions:
Aortic aneurysm, familial thoracic 7 (AAT7). Also called: AORTIC DISSECTION, FAMILIAL, WITH OR WITHOUT AORTIC ANEURYSM. Identifiers: MedGen C3151077, MONDO:0013418, OMIM 613780.

Submission:

Labcorp Genetics (formerly Invitae), Labcorp
Classification: Uncertain significance for Aortic aneurysm, familial thoracic 7. Last evaluated: 2022-05-26. Review status: criteria provided, single submitter. Criteria: Invitae Variant Classification Sherloc (09022015). Collection method: clinical testing. Allele origin: germline.
Comment: This variant is not present in population databases (gnomAD no frequency). In summary, the available evidence is currently insufficient to determine the role of this variant in disease. Therefore, it has been classified as a Variant of Uncertain Significance. Algorithms developed to predict the effect of missense changes on protein structure and function are either unavailable or do not agree on the potential impact of this missense change (SIFT: "Deleterious"; PolyPhen-2: "Benign"; Align-GVGD: "Class C0"). This variant has not been reported in the literature in individuals affected with MYLK-related conditions. This sequence change replaces proline, which is neutral and non-polar, with serine, which is neutral and polar, at codon 1660 of the MYLK protein (p.Pro1660Ser).